The following is an entry in ClinVar:

NM_024675.4(PALB2):c.1685-3T>G

Gene: PALB2 (partner and localizer of BRCA2; minus strand). Cytogenetic location: 16p12.2.
Variant type: single nucleotide variant.
Coding change: c.1685-3T>G on transcript NM_024675.4 (MANE Select); 3 bases into the intron before coding-DNA position 1685, T replaced by G.
Molecular consequence: intron variant.
Genome position (GRCh38, 1-based): chr16:23,630,472, A>C on the plus strand (T>G on the coding strand, the complement: PALB2 is on the minus strand). VCF-style: chr16-23630472-A-C. GRCh37 (hg19) VCF-style: chr16-23641793-A-C.
Identifiers: ClinVar variation 578091 (VCV000578091.9), dbSNP rs1254059410, ClinGen allele CA891844522.

ClinVar aggregate classification (germline): Uncertain significance (1 of 4 stars; one submission).

Conditions:
Familial cancer of breast. Also called: hereditary breast carcinoma; BREAST CANCER, FAMILIAL; Hereditary breast cancer. Identifiers: Orphanet 227535, MedGen C0346153, MONDO:0016419, OMIM 114480. Disease mechanism: loss of function.

Submission:

Labcorp Genetics (formerly Invitae), Labcorp
Classification: Uncertain significance for Familial cancer of breast. Last evaluated: 2024-04-05. Review status: criteria provided, single submitter. Criteria: Invitae Variant Classification Sherloc (09022015). Collection method: clinical testing. Allele origin: germline.
Comment: This sequence change falls in intron 4 of the PALB2 gene. It does not directly change the encoded amino acid sequence of the PALB2 protein. It affects a nucleotide within the consensus splice site. This variant is not present in population databases (gnomAD no frequency). This variant has not been reported in the literature in individuals affected with PALB2-related conditions. ClinVar contains an entry for this variant (Variation ID: 578091). Variants that disrupt the consensus splice site are a relatively common cause of aberrant splicing (PMID: 17576681, 9536098). Algorithms developed to predict the effect of sequence changes on RNA splicing suggest that this variant may disrupt the consensus splice site. In summary, the available evidence is currently insufficient to determine the role of this variant in disease. Therefore, it has been classified as a Variant of Uncertain Significance.

Literature cited by the submitters: PubMed 17576681; PubMed 9536098.